The following is an entry in ClinVar:

NM_001080449.3(DNA2):c.720-15_720-14dup

Gene: DNA2 (DNA replication helicase/nuclease 2; minus strand). Cytogenetic location: 10q21.3.
Variant type: Duplication.
Coding change: c.720-15_720-14dup on transcript NM_001080449.3 (MANE Select); 15 bases into the intron before coding-DNA position 720 through 14 bases into the intron before coding-DNA position 720, 2 bases duplicated (TT; older notation c.720-15_720-14dupTT).
Molecular consequence: intron variant.
Genome position (GRCh38, 1-based): chr10:68,450,251-68,450,252, AA duplicated on the plus strand (TT on the coding strand, the reverse complement: DNA2 is on the minus strand); duplicating any 2 consecutive bases within chr10:68,450,251-68,450,262 gives the same sequence; the c. name uses the placement nearest the transcript's 3' end. VCF-style (leftmost placement, unchanged base first): chr10-68450250-G-GAA. GRCh37 (hg19) VCF-style: chr10-70210007-G-GAA.
Other names: p.?; c.720-5_720-4dup (NM_001080449.3).
Identifiers: ClinVar variation 1195757 (VCV001195757.15), dbSNP rs34191745, ClinGen allele CA5525223.

ClinVar aggregate classification (germline): Benign/Likely benign. Review status: criteria provided, multiple submitters, no conflicts (2 of 4 stars). 5 submissions from 5 submitters: Benign (2); Likely benign (2). 1 of the submissions does not count toward it. Last evaluated 2026-01-19.

Conditions:
DNA2-related disorder. Also called: DNA2-related condition.

Submissions (5):

Labcorp Genetics (formerly Invitae), Labcorp
Classification: Benign. Last evaluated: 2026-01-19. Review status: criteria provided, single submitter. Criteria: Invitae Variant Classification Sherloc (09022015). Collection method: clinical testing. Allele origin: germline.

Blueprint Genetics
Classification: Likely benign. Last evaluated: 2024-11-01. Review status: criteria provided, single submitter. Criteria: ACMG Guidelines, 2015. Collection method: clinical testing. Allele origin: germline.

Mayo Clinic Laboratories, Mayo Clinic
Classification: Benign. Last evaluated: 2024-04-03. Review status: criteria provided, single submitter. Criteria: ACMG Guidelines, 2015. Collection method: clinical testing. Allele origin: germline. Observed: 10 variant alleles.
Comment: BA1, BP4, BP7

GeneDx
Classification: Likely benign. Last evaluated: 2019-08-11. Review status: criteria provided, single submitter. Criteria: GeneDx Variant Classification Process June 2021. Collection method: clinical testing. Allele origin: germline. Affected: yes.

PreventionGenetics, part of Exact Sciences
Classification: Benign for DNA2-related condition. Last evaluated: 2019-06-12. Review status: no assertion criteria provided. Collection method: clinical testing. Allele origin: germline. Not counted in ClinVar's aggregate classification.
Comment: This variant is classified as benign based on ACMG/AMP sequence variant interpretation guidelines (Richards et al. 2015 PMID: 25741868, with internal and published modifications).